The following is an entry in ClinVar:

NM_005138.3(SCO2):c.633A>C (p.Ala211=)

Genes: NCAPH2 (non-SMC condensin II complex subunit H2; plus strand), TYMP (thymidine phosphorylase; minus strand), SCO2 (synthesis of cytochrome C oxidase 2; minus strand). Cytogenetic location: 22q13.33.
Variant type: single nucleotide variant.
Coding change: c.633A>C on transcript NM_005138.3 (MANE Select); coding-DNA position 633, A replaced by C.
Protein change: p.Ala211=; no amino-acid change (alanine 211 retained).
Molecular consequence: synonymous variant. On other transcripts: 3 prime UTR variant (2).
Genome position (GRCh38, 1-based): chr22:50,523,779, T>G on the plus strand (A>C on the coding strand, the complement: SCO2 is on the minus strand). VCF-style: chr22-50523779-T-G. GRCh37 (hg19) VCF-style: chr22-50962208-T-G.
Other names: p.A211A:GCA>GCC; c.*404T>G (NM_001185011.2, NM_152299.4); c.633A>C, p.Ala211= (NM_001169109.2, NM_001169110.1, NM_001169111.2).
Identifiers: ClinVar variation 139086 (VCV000139086.24), dbSNP rs12148, ClinGen allele CA293450.
Genomic context (GRCh38, chr22:50,523,779, plus strand): 5'-GAGCAGGTAGATGGCAATGGAGTGGTCCACGATGTAGTCCTGGTCCTCATCCTTGGGGCC[T>G]GCATTGTAGTACACGCGGTAACTGTGACTAGCCTGGGCAACCTGTTTGGTGGAGCCGGTC-3'
Protein context (NP_005129.2, residues 201-221): ASHSYRVYYN[Ala211=]GPKDEDQDYI

ClinVar aggregate classification (germline): Benign. Review status: criteria provided, multiple submitters, no conflicts (2 of 4 stars). 11 submissions from 9 submitters: Benign (8). 3 of the submissions do not count toward it. Last evaluated 2026-02-04.

Conditions:
Mitochondrial DNA depletion syndrome 1. Also called: Mitochondrial neurogastrointestinal encephalomyopathy syndrome; POLIP SYNDROME; POLYNEUROPATHY, OPHTHALMOPLEGIA, LEUKOENCEPHALOPATHY, AND INTESTINAL PSEUDOOBSTRUCTION; Mitochondrial Neurogastrointestinal Encephalopathy Disease; MITOCHONDRIAL NEUROGASTROINTESTINAL ENCEPHALOPATHY SYNDROME, TYMP-RELATED; MNGIE, TYMP-RELATED. Identifiers: Orphanet 298, MedGen C4551995, MONDO:0011283, OMIM 603041.
Myopia 6 (MYP6). Identifiers: MedGen C1837148, MONDO:0012154, OMIM 608908.
Cardioencephalomyopathy, fatal infantile, due to cytochrome c oxidase deficiency 1 (MC4DN2). Also called: CYTOCHROME c OXIDASE DEFICIENCY, FATAL INFANTILE, WITH CARDIOENCEPHALOMYOPATHY; MITOCHONDRIAL COMPLEX IV DEFICIENCY, NUCLEAR TYPE 2. Identifiers: Orphanet 1561, MedGen C5399977, MONDO:0011451, OMIM 604377.

Allele frequency attached by ClinVar (database versions not stated): gnomAD exomes 0.64015; 1000 Genomes Project 0.65555; 1000 Genomes Project 30x 0.65787; gnomAD 0.63421; ESP Exome Variant Server 0.63509; ExAC 0.63835; TOPMed 0.64240.
gnomAD v4.1: 1,007,605 of 1,613,942 alleles (62%); highest among the groups gnomAD compares: East Asian, 72%; 315,695 homozygotes.

Submissions (11):

Labcorp Genetics (formerly Invitae), Labcorp
Classification: Benign. Last evaluated: 2026-02-04. Review status: criteria provided, single submitter. Criteria: Invitae Variant Classification Sherloc (09022015). Collection method: clinical testing. Allele origin: germline.

Blueprint Genetics
Classification: Benign. Last evaluated: 2024-11-28. Review status: criteria provided, single submitter. Criteria: ACMG Guidelines, 2015. Collection method: clinical testing. Allele origin: germline.

Genome-Nilou Lab
Classification: Benign for Cardioencephalomyopathy, fatal infantile, due to cytochrome c oxidase deficiency 1. Last evaluated: 2021-07-15. Review status: criteria provided, single submitter. Criteria: ACMG Guidelines, 2015. Collection method: clinical testing. Allele origin: germline. Affected: no.

Genome-Nilou Lab
Classification: Benign for Myopia 6. Last evaluated: 2021-07-15. Review status: criteria provided, single submitter. Criteria: ACMG Guidelines, 2015. Collection method: clinical testing. Allele origin: germline. Affected: no.

Illumina Laboratory Services, Illumina
Classification: Benign for Cardioencephalomyopathy, fatal infantile, due to cytochrome c oxidase deficiency 1. Last evaluated: 2018-01-13. Review status: criteria provided, single submitter. Criteria: ICSL Variant Classification Criteria 13 December 2019. Collection method: clinical testing. Allele origin: germline.
Comment: This variant was observed in the ICSL laboratory as part of a predisposition screen in an ostensibly healthy population. It had not been previously curated by ICSL or reported in the Human Gene Mutation Database (HGMD: prior to June 1st, 2018), and was therefore a candidate for classification through an automated scoring system. Utilizing variant allele frequency, disease prevalence and penetrance estimates, and inheritance mode, an automated score was calculated to assess if this variant is too frequent to cause the disease. Based on the score and internal cut-off values, a variant classified as benign is not then subjected to further curation. The score for this variant resulted in a classification of benign for this disease.

Illumina Laboratory Services, Illumina
Classification: Benign for Mitochondrial DNA depletion syndrome 1. Last evaluated: 2017-04-27. Review status: criteria provided, single submitter. Criteria: ICSL Variant Classification Criteria 13 December 2019. Collection method: clinical testing. Allele origin: germline.
Comment: This variant was observed as part of a predisposition screen in an ostensibly healthy population. A literature search was performed for the gene, cDNA change, and amino acid change (where applicable). No publications were found based on this search. Allele frequency data from public databases was too high to be consistent with this variant causing disease. Therefore, this variant is classified as benign.

GeneDx
Classification: Benign. Last evaluated: 2011-07-01. Review status: criteria provided, single submitter. Criteria: GeneDx Variant Classification (06012015). Collection method: clinical testing. Allele origin: germline. Affected: yes.
Comment: This variant is considered likely benign or benign based on one or more of the following criteria: it is a conservative change, it occurs at a poorly conserved position in the protein, it is predicted to be benign by multiple in silico algorithms, and/or has population frequency not consistent with disease.

Breakthrough Genomics
Classification: Benign. Review status: criteria provided, single submitter. Criteria: ACMG Guidelines, 2015. Collection method: not provided. Allele origin: germline. Inheritance: Autosomal recessive inheritance. Affected: yes.

Mayo Clinic Laboratories, Mayo Clinic
Classification: Benign. Last evaluated: 2016-02-22. Review status: no assertion criteria provided. Collection method: clinical testing. Allele origin: unknown. Not counted in ClinVar's aggregate classification.

Clinical Genetics, Academic Medical Center
Classification: Benign. Review status: no assertion criteria provided. Collection method: clinical testing. Allele origin: germline. Affected: yes. Study: VKGL Data-share Consensus. Not counted in ClinVar's aggregate classification.

Diagnostic Laboratory, Department of Genetics, University Medical Center Groningen
Classification: Benign. Review status: no assertion criteria provided. Collection method: clinical testing. Allele origin: germline. Affected: yes. Study: VKGL Data-share Consensus. Not counted in ClinVar's aggregate classification.